The following is an entry in ClinVar:

ClinVar aggregate classification (germline): Uncertain significance (1 of 4 stars; one submission).

Conditions:
Fanconi anemia (FA). Also called: Fanconi's anemia. Identifiers: Orphanet 84, MedGen C0015625, MeSH D005199, MONDO:0019391.

Submission:

Labcorp Genetics (formerly Invitae), Labcorp
Classification: Uncertain significance for Fanconi anemia. Last evaluated: 2024-03-10. Review status: criteria provided, single submitter. Criteria: Invitae Variant Classification Sherloc (09022015). Collection method: clinical testing. Allele origin: germline.
Comment: This sequence change affects codon 197 of the FANCF mRNA. It is a 'silent' change, meaning that it does not change the encoded amino acid sequence of the FANCF protein. This variant is not present in population databases (gnomAD no frequency). This variant has not been reported in the literature in individuals affected with FANCF-related conditions. In summary, the available evidence is currently insufficient to determine the role of this variant in disease. Therefore, it has been classified as a Variant of Uncertain Significance.

NM_022725.4(FANCF):c.591T>C (p.Pro197=)

Gene: FANCF (FA complementation group F; minus strand). Cytogenetic location: 11p14.3.
Variant type: single nucleotide variant.
Coding change: c.591T>C on transcript NM_022725.4 (MANE Select); coding-DNA position 591, T replaced by C.
Protein change: p.Pro197=; no amino-acid change (proline 197 retained).
Molecular consequence: synonymous variant.
Genome position (GRCh38, 1-based): chr11:22,625,220, A>G on the plus strand (T>C on the coding strand, the complement: FANCF is on the minus strand). VCF-style: chr11-22625220-A-G. GRCh37 (hg19) VCF-style: chr11-22646766-A-G.
Identifiers: ClinVar variation 3667754 (VCV003667754.2).